The following is an entry in ClinVar:

NM_007294.4(BRCA1):c.4105G>A (p.Ala1369Thr)

Gene: BRCA1 (BRCA1 DNA repair associated; minus strand). Cytogenetic location: 17q21.31.
Variant type: single nucleotide variant.
Coding change: c.4105G>A on transcript NM_007294.4 (MANE Select); coding-DNA position 4105, G replaced by A.
Protein change: p.Ala1369Thr; replaces alanine 1369 with threonine.
Molecular consequence: missense variant. On other transcripts: non-coding transcript variant (1).
Genome position (GRCh38, 1-based): chr17:43,091,024, C>T on the plus strand (G>A on the coding strand, the complement: BRCA1 is on the minus strand). VCF-style: chr17-43091024-C-T. GRCh37 (hg19) VCF-style: chr17-41243041-C-T.
Other names: c.586G>A, p.Ala196Thr (NM_001408483.1, NM_001408484.1, NM_001408485.1 and 9 more transcripts); c.583G>A, p.Ala195Thr (NM_001408493.1, NM_001408490.1, NM_001408491.1); c.532G>A, p.Ala178Thr (NM_001408496.1, NM_001408497.1, NM_001408498.1 and 3 more transcripts); c.529G>A, p.Ala177Thr (NM_001408504.1, NM_001408505.1, NM_001408503.1); c.469G>A, p.Ala157Thr (NM_001408506.1, NM_001408507.1); c.460G>A, p.Ala154Thr (NM_001408508.1, NM_001408509.1); c.556G>A, p.Ala186Thr (NM_001408494.1); c.553G>A, p.Ala185Thr (NM_001408495.1); and 40 more; short protein forms A1322T, A1369T, A266T, A1242T, A1257T, A1281T, A1321T, A1343T.
Identifiers: ClinVar variation 1024990 (VCV001024990.15), dbSNP rs1597858676, ClinGen allele CA10593515.
Genomic context (GRCh38, chr17:43,091,024, plus strand): 5'-TCTGAGAGGATAGCCCTGAGCAGTCTTCAGAGACGCTTGTTTCACTCTCACACCCAGATG[C>T]TGCTTCACCTTAAATAACAAAAACAGAGGTTCAGATGTAAAAGCAGACTATAAACGCTGC-3'
Protein context (NP_009225.1, residues 1359-1379): QSMDSNLGEA[Ala1369Thr]SGCESETSVS

ClinVar aggregate classification (germline): Uncertain significance. Review status: criteria provided, multiple submitters, no conflicts (2 of 4 stars). 3 submissions from 3 submitters: Uncertain significance (3). Last evaluated 2025-02-13.

Conditions:
Hereditary cancer-predisposing syndrome. Also called: Hereditary Cancer Syndrome; Neoplastic Syndromes, Hereditary; Tumor predisposition; Hereditary neoplastic syndrome. Identifiers: Orphanet 140162, MedGen C0027672, MeSH D009386, MONDO:0015356.
Hereditary breast ovarian cancer syndrome. Also called: Breast and ovarian cancer; Hereditary breast and ovarian cancer syndrome (HBOC); Hereditary breast and ovarian cancer; Hereditary breast and/or ovarian cancer syndrome; BRCA1- and BRCA2-Associated Hereditary Breast and Ovarian Cancer; Hereditary breast and ovarian cancer syndrome. Identifiers: Orphanet 145, MedGen C0677776, MeSH D061325, MONDO:0003582. Disease mechanism: loss of function.

Submissions (3):

GeneDx
Classification: Uncertain significance. Last evaluated: 2025-02-13. Review status: criteria provided, single submitter. Criteria: GeneDx Variant Classification Process June 2021. Collection method: clinical testing. Allele origin: germline. Affected: yes.
Comment: Not observed at significant frequency in large population cohorts (gnomAD); In silico analysis indicates that this missense variant does not alter protein structure/function; Observed in an individual with breast cancer (PMID: 38439815); Also known as 4224G>A; This variant is associated with the following publications: (PMID: 15343273, 22737296, 9974970, 38439815)

Labcorp Genetics (formerly Invitae), Labcorp
Classification: Uncertain significance for Hereditary breast ovarian cancer syndrome. Last evaluated: 2025-02-12. Review status: criteria provided, single submitter. Criteria: Invitae Variant Classification Sherloc (09022015). Collection method: clinical testing. Allele origin: germline.
Comment: This sequence change replaces alanine, which is neutral and non-polar, with threonine, which is neutral and polar, at codon 1369 of the BRCA1 protein (p.Ala1369Thr). This variant is not present in population databases (gnomAD no frequency). This variant has not been reported in the literature in individuals affected with BRCA1-related conditions. ClinVar contains an entry for this variant (Variation ID: 1024990). Invitae Evidence Modeling of protein sequence and biophysical properties (such as structural, functional, and spatial information, amino acid conservation, physicochemical variation, residue mobility, and thermodynamic stability) indicates that this missense variant is not expected to disrupt BRCA1 protein function with a negative predictive value of 95%. In summary, the available evidence is currently insufficient to determine the role of this variant in disease. Therefore, it has been classified as a Variant of Uncertain Significance.

Ambry Genetics
Classification: Uncertain significance for Hereditary cancer-predisposing syndrome. Last evaluated: 2024-11-14. Review status: criteria provided, single submitter. Criteria: Ambry Variant Classification Scheme 2023. Collection method: clinical testing. Allele origin: germline.
Comment: The p.A1369T variant (also known as c.4105G>A), located in coding exon 10 of the BRCA1 gene, results from a G to A substitution at nucleotide position 4105. The alanine at codon 1369 is replaced by threonine, an amino acid with similar properties. This variant was identified in an individual with a personal history of early-onset breast cancer (Pramanik R et al. Ecancermedicalscience, 2024 Feb;18:1670). This amino acid position is well conserved in available vertebrate species. In addition, the in silico prediction for this alteration is inconclusive. Based on the available evidence, the clinical significance of this variant remains unclear.

Literature cited by the submitters: PubMed 38439815 (cited by Ambry Genetics).